The following is an entry in ClinVar:

ClinVar aggregate classification (germline): Uncertain significance. Review status: criteria provided, multiple submitters, no conflicts (2 of 4 stars). 2 submissions from 2 submitters: Uncertain significance (2). Last evaluated 2025-06-03.

Allele frequency attached by ClinVar (database versions not stated): gnomAD exomes 0.00003; ExAC 0.00012; 1000 Genomes Project 0.00020; gnomAD 0.00027; 1000 Genomes Project 30x 0.00031; TOPMed 0.00032; ESP Exome Variant Server 0.00062.
gnomAD v4.1: 81 of 1,614,228 alleles (0.005%); highest among the groups gnomAD compares: African/African-American, 0.1%; no homozygotes.

Submissions (2):

Labcorp Genetics (formerly Invitae), Labcorp
Classification: Uncertain significance. Last evaluated: 2025-06-03. Review status: criteria provided, single submitter. Criteria: Invitae Variant Classification Sherloc (09022015). Collection method: clinical testing. Allele origin: germline.
Comment: This sequence change replaces arginine, which is basic and polar, with isoleucine, which is neutral and non-polar, at codon 468 of the CEP97 protein (p.Arg468Ile). This variant is present in population databases (rs150586600, gnomAD 0.1%), and has an allele count higher than expected for a pathogenic variant. This variant has not been reported in the literature in individuals affected with CEP97-related conditions. ClinVar contains an entry for this variant (Variation ID: 2195406). Invitae Evidence Modeling of protein sequence and biophysical properties (such as structural, functional, and spatial information, amino acid conservation, physicochemical variation, residue mobility, and thermodynamic stability) indicates that this missense variant is not expected to disrupt CEP97 protein function with a negative predictive value of 80%. In summary, the available evidence is currently insufficient to determine the role of this variant in disease. Therefore, it has been classified as a Variant of Uncertain Significance.

Ambry Genetics
Classification: Uncertain significance. Last evaluated: 2023-07-25. Review status: criteria provided, single submitter. Criteria: Ambry Variant Classification Scheme 2023. Collection method: clinical testing. Allele origin: germline.

NM_024548.4(CEP97):c.1403G>T (p.Arg468Ile)

Gene: CEP97 (centrosomal protein 97; plus strand). Cytogenetic location: 3q12.3.
Variant type: single nucleotide variant.
Coding change: c.1403G>T on transcript NM_024548.4 (MANE Select); coding-DNA position 1403, G replaced by T.
Protein change: p.Arg468Ile; replaces arginine 468 with isoleucine.
Molecular consequence: missense variant.
Genome position (GRCh38, 1-based): chr3:101,758,009, G>T. VCF-style: chr3-101758009-G-T. GRCh37 (hg19) VCF-style: chr3-101476853-G-T.
Other names: c.1226G>T, p.Arg409Ile (NM_001303401.2); c.1301G>T, p.Arg434Ile (NM_001410784.1); c.1124G>T, p.Arg375Ile (NM_001410785.1); c.1403G>T (NM_024548.2); short protein forms R375I, R468I, R434I, R409I.
Identifiers: ClinVar variation 2195406 (VCV002195406.6), dbSNP rs150586600, ClinGen allele CA2522123.
Genomic context (GRCh38, chr3:101,758,009, plus strand): 5'-TGGATAAGGAAGAGGAACAGCCTTTATGGGCTGCAAATGAGAATTCTGTTCAAATGATGA[G>T]AAGTGAAATCAATACAGAGGTAAATGAGAAAGCTGGACTATTACCTTGTCCTGAGCCAAC-3'
Protein context (NP_078824.2, residues 458-478): AANENSVQMM[Arg468Ile]SEINTEVNEK